The following is an entry in ClinVar:

NM_025000.4(DCAF17):c.364A>T (p.Ile122Leu)

Gene: DCAF17 (DDB1 and CUL4 associated factor 17; plus strand). Cytogenetic location: 2q31.1.
Variant type: single nucleotide variant.
Coding change: c.364A>T on transcript NM_025000.4 (MANE Select); coding-DNA position 364, A replaced by T.
Protein change: p.Ile122Leu; replaces isoleucine 122 with leucine.
Molecular consequence: missense variant. On other transcripts: non-coding transcript variant (1).
Genome position (GRCh38, 1-based): chr2:171,448,723, A>T. VCF-style: chr2-171448723-A-T. GRCh37 (hg19) VCF-style: chr2-172305233-A-T.
Other names: c.364A>T, p.Ile122Leu (NM_001164821.2); c.364A>T (NM_025000.3); short protein forms I122L.
Identifiers: ClinVar variation 2185783 (VCV002185783.2), dbSNP rs750778801, ClinGen allele CA1964650.

ClinVar aggregate classification (germline): Uncertain significance. Review status: criteria provided, multiple submitters, no conflicts (2 of 4 stars). 2 submissions from 2 submitters: Uncertain significance (2). Last evaluated 2022-08-21.

Conditions:
Inborn genetic diseases. Identifiers: MedGen C0950123, MeSH D030342.
Woodhouse-Sakati syndrome. Also called: Hypogonadism, diabetes mellitus, alopecia, mental retardation and electrocardiographic abnormalities; Hypogonadism, Alopecia, Diabetes Mellitus, Mental Retardation, and Extrapyramidal Syndrome; EXTRAPYRAMIDAL DISORDER, PROGRESSIVE, WITH PRIMARY HYPOGONADISM, MENTAL RETARDATION, AND ALOPECIA. Identifiers: Orphanet 3464, MedGen C0342286, MONDO:0009419, OMIM 241080.

Allele frequency attached by ClinVar (database versions not stated): TOPMed below 0.00001; gnomAD 0.00001; ExAC 0.00002.
gnomAD v4.1: 10 of 1,613,094 alleles (0.00062%); highest among the groups gnomAD compares: Admixed American, 0.015%; no homozygotes.

Submissions (2):

Labcorp Genetics (formerly Invitae), Labcorp
Classification: Uncertain significance for Woodhouse-Sakati syndrome. Last evaluated: 2022-08-21. Review status: criteria provided, single submitter. Criteria: Invitae Variant Classification Sherloc (09022015). Collection method: clinical testing. Allele origin: germline.
Comment: This sequence change replaces isoleucine, which is neutral and non-polar, with leucine, which is neutral and non-polar, at codon 122 of the DCAF17 protein (p.Ile122Leu). This variant is present in population databases (rs750778801, gnomAD 0.02%). This variant has not been reported in the literature in individuals affected with DCAF17-related conditions. Algorithms developed to predict the effect of missense changes on protein structure and function (SIFT, PolyPhen-2, Align-GVGD) all suggest that this variant is likely to be tolerated. In summary, the available evidence is currently insufficient to determine the role of this variant in disease. Therefore, it has been classified as a Variant of Uncertain Significance.

Ambry Genetics
Classification: Uncertain significance for Inborn genetic diseases. Last evaluated: 2021-01-12. Review status: criteria provided, single submitter. Criteria: Ambry Variant Classification Scheme 2023. Collection method: clinical testing. Allele origin: germline.
Comment: The c.364A>T (p.I122L) alteration is located in exon 4 (coding exon 4) of the DCAF17 gene. This alteration results from a A to T substitution at nucleotide position 364, causing the isoleucine (I) at amino acid position 122 to be replaced by a leucine (L). The p.I122L alteration is predicted to be tolerated by in silico analysis. Based on insufficient or conflicting evidence, the clinical significance of this alteration remains unclear.